The following is an entry in ClinVar:

NM_001267550.2(TTN):c.100603G>T (p.Glu33535Ter)

Genes: TTN (titin; minus strand), TTN-AS1 (TTN antisense RNA 1; plus strand). Cytogenetic location: 2q31.2.
Variant type: single nucleotide variant.
Coding change: c.100603G>T on transcript NM_001267550.2 (MANE Select); coding-DNA position 100603, G replaced by T.
Protein change: p.Glu33535Ter; replaces glutamic acid 33535 with a stop codon.
Molecular consequence: nonsense.
Genome position (GRCh38, 1-based): chr2:178,536,144, C>A on the plus strand (G>T on the coding strand, the complement: TTN is on the minus strand). VCF-style: chr2-178536144-C-A. GRCh37 (hg19) VCF-style: chr2-179400871-C-A.
Other names: c.73984G>T, p.Glu24662Ter (NM_133437.4); c.95680G>T, p.Glu31894Ter (NM_001256850.1); c.73408G>T, p.Glu24470Ter (NM_003319.4); c.92899G>T, p.Glu30967Ter (NM_133378.4); c.73783G>T, p.Glu24595Ter (NM_133432.3); short protein forms E24662*, E30967*, E24595*, E33535*, E24470*, E31894*.
Identifiers: ClinVar variation 4824746 (VCV004824746.1).

ClinVar aggregate classification (germline): Likely pathogenic (1 of 4 stars; one submission).

Conditions:
Cardiovascular phenotype. Identifiers: MedGen CN230736.

gnomAD v4.1: 1 of 1,613,680 alleles (0.000062%); highest among the groups gnomAD compares: Non-Finnish European, 0.000085%; no homozygotes.

Submission:

Ambry Genetics
Classification: Likely pathogenic for Cardiovascular phenotype. Last evaluated: 2026-02-04. Review status: criteria provided, single submitter. Criteria: Ambry Variant Classification Scheme 2023. Collection method: clinical testing. Allele origin: germline.
Comment: The p.E24470* variant (also known as c.73408G>T), located in coding exon 184 of the TTN gene, results from a G to T substitution at nucleotide position 73408. This changes the amino acid from a glutamic acid to a stop codon within coding exon 184. This exon is located in the A-band region of the N2-B isoform of the titin protein and is constitutively expressed in TTN transcripts (percent spliced in or PSI 100%). This variant is expected to result in loss of function by premature protein truncation or nonsense-mediated mRNA decay. While truncating variants in TTN are present in 1-3% of the general population, truncating variants in the A-band are the most common cause of dilated cardiomyopathy (Herman DS et al. N. Engl. J. Med., 2012 Feb;366:619-28; Roberts AM et al. Sci Transl Med, 2015 Jan;7:270ra6). TTN truncating variants encoded in constitutive exons (PSI >90%) have been found to be significantly associated with DCM regardless of their position in titin (Schafer S et al. Nat. Genet., 2017 01;49:46-53; Akhtar MM et al. Circ Heart Fail, 2020 Oct;13:e006832; Massier M et al. Clin Genet, 2025 Jan). This variant is considered to be rare based on population cohorts in the Genome Aggregation Database (gnomAD). Based on the majority of available evidence to date, this variant is likely to be pathogenic.